The following is an entry in ClinVar:

ClinVar aggregate classification (germline): Likely benign (0 of 4 stars; one submission).

Conditions:
CELSR3-related disorder. Also called: CELSR3-related condition.

Allele frequency attached by ClinVar (database versions not stated): 1000 Genomes Project 0.00040; 1000 Genomes Project 30x 0.00047; gnomAD 0.00102; TOPMed 0.00114; ExAC 0.00133; ESP Exome Variant Server 0.00154; gnomAD exomes 0.00159.

Submission:

PreventionGenetics, part of Exact Sciences
Classification: Likely benign for CELSR3-related condition. Last evaluated: 2023-10-23. Review status: no assertion criteria provided. Collection method: clinical testing. Allele origin: germline.
Comment: This variant is classified as likely benign based on ACMG/AMP sequence variant interpretation guidelines (Richards et al. 2015 PMID: 25741868, with internal and published modifications).

NM_001407.3(CELSR3):c.8375C>T (p.Ala2792Val)

Gene: CELSR3 (cadherin EGF LAG seven-pass G-type receptor 3; minus strand). Cytogenetic location: 3p21.31.
Variant type: single nucleotide variant.
Coding change: c.8375C>T on transcript NM_001407.3 (MANE Select); coding-DNA position 8375, C replaced by T.
Protein change: p.Ala2792Val; replaces alanine 2792 with valine.
Molecular consequence: missense variant.
Genome position (GRCh38, 1-based): chr3:48,642,998, G>A on the plus strand (C>T on the coding strand, the complement: CELSR3 is on the minus strand). VCF-style: chr3-48642998-G-A. GRCh37 (hg19) VCF-style: chr3-48680431-G-A.
Other names: short protein forms A2792V.
Identifiers: ClinVar variation 3033820 (VCV003033820.2), dbSNP rs147947825, ClinGen allele CA2383857.